The following is an entry in ClinVar:

NM_020708.5(SLC12A5):c.3347C>A (p.Ser1116Tyr)

Genes: SLC12A5 (solute carrier family 12 member 5; plus strand), LOC113960611 (Sharpr-MPRA regulatory region 3425; plus strand). Cytogenetic location: 20q13.12.
Variant type: single nucleotide variant.
Coding change: c.3347C>A on transcript NM_020708.5 (MANE Select); coding-DNA position 3347, C replaced by A.
Protein change: p.Ser1116Tyr; replaces serine 1116 with tyrosine.
Molecular consequence: missense variant.
Genome position (GRCh38, 1-based): chr20:46,057,601, C>A. VCF-style: chr20-46057601-C-A. GRCh37 (hg19) VCF-style: chr20-44686240-C-A.
Other names: c.3416C>A, p.Ser1139Tyr (NM_001134771.2); short protein forms S1116Y, S1139Y.
Identifiers: ClinVar variation 1022216 (VCV001022216.6), dbSNP rs150192950, ClinGen allele CA9887872.

ClinVar aggregate classification (germline): Uncertain significance (1 of 4 stars; one submission).

Conditions:
Developmental and epileptic encephalopathy, 34 (DEE34). Also called: SLC12A5-Related Epilepsy of Infancy with Migrating Focal Seizures; Early infantile epileptic encephalopathy 34. Identifiers: Orphanet 293181, MedGen C4225257, MONDO:0014718, OMIM 616645.

Allele frequency attached by ClinVar (database versions not stated): gnomAD exomes 0.00001; ExAC 0.00002; gnomAD 0.00008 and 0.00009; TOPMed 0.00011; ESP Exome Variant Server 0.00015.
gnomAD v4.1: 28 of 1,612,944 alleles (0.0017%); highest among the groups gnomAD compares: African/African-American, 0.036%; no homozygotes.

Submission:

Labcorp Genetics (formerly Invitae), Labcorp
Classification: Uncertain significance for Developmental and epileptic encephalopathy, 34. Last evaluated: 2022-10-13. Review status: criteria provided, single submitter. Criteria: Invitae Variant Classification Sherloc (09022015). Collection method: clinical testing. Allele origin: germline.
Comment: This sequence change replaces serine, which is neutral and polar, with tyrosine, which is neutral and polar, at codon 1116 of the SLC12A5 protein (p.Ser1116Tyr). This variant is present in population databases (rs150192950, gnomAD 0.02%). This variant has not been reported in the literature in individuals affected with SLC12A5-related conditions. ClinVar contains an entry for this variant (Variation ID: 1022216). Advanced modeling of protein sequence and biophysical properties (such as structural, functional, and spatial information, amino acid conservation, physicochemical variation, residue mobility, and thermodynamic stability) performed at Invitae indicates that this missense variant is expected to disrupt SLC12A5 protein function. In summary, the available evidence is currently insufficient to determine the role of this variant in disease. Therefore, it has been classified as a Variant of Uncertain Significance.